The following is an entry in ClinVar:

ClinVar aggregate classification (germline): Uncertain significance. Review status: criteria provided, multiple submitters, no conflicts (2 of 4 stars). 4 submissions from 4 submitters: Uncertain significance (4). Last evaluated 2025-10-18.

Conditions:
Fanconi anemia (FA). Also called: Fanconi's anemia. Identifiers: Orphanet 84, MedGen C0015625, MeSH D005199, MONDO:0019391.
Fanconi anemia complementation group L (FANCL). Also called: FANCL-Related Fanconi Anemia. Identifiers: Orphanet 84, MedGen C3469528, MONDO:0013566, OMIM 614083.
Inborn genetic diseases. Identifiers: MedGen C0950123, MeSH D030342.

Allele frequency attached by ClinVar (database versions not stated): gnomAD 0.00001; ExAC 0.00003; TOPMed 0.00003.
gnomAD v4.1: 8 of 1,613,478 alleles (0.0005%); highest among the groups gnomAD compares: Admixed American, 0.013%; no homozygotes.

Submissions (4):

Ambry Genetics
Classification: Uncertain significance for Inborn genetic diseases. Last evaluated: 2025-10-18. Review status: criteria provided, single submitter. Criteria: Ambry Variant Classification Scheme 2023. Collection method: clinical testing. Allele origin: germline.

Fulgent Genetics
Classification: Uncertain significance for Fanconi anemia complementation group L. Last evaluated: 2024-04-15. Review status: criteria provided, single submitter. Criteria: ACMG Guidelines, 2015. Collection method: clinical testing. Allele origin: germline.

Labcorp Genetics (formerly Invitae), Labcorp
Classification: Uncertain significance for Fanconi anemia. Last evaluated: 2022-07-18. Review status: criteria provided, single submitter. Criteria: Invitae Variant Classification Sherloc (09022015). Collection method: clinical testing. Allele origin: germline.
Comment: This sequence change replaces proline, which is neutral and non-polar, with arginine, which is basic and polar, at codon 163 of the FANCL protein (p.Pro163Arg). This variant is present in population databases (rs770063294, gnomAD 0.02%). This variant has not been reported in the literature in individuals affected with FANCL-related conditions. ClinVar contains an entry for this variant (Variation ID: 997630). Algorithms developed to predict the effect of missense changes on protein structure and function are either unavailable or do not agree on the potential impact of this missense change (SIFT: "Deleterious"; PolyPhen-2: "Probably Damaging"; Align-GVGD: "Class C0"). In summary, the available evidence is currently insufficient to determine the role of this variant in disease. Therefore, it has been classified as a Variant of Uncertain Significance.

Baylor Genetics
Classification: Uncertain significance for Fanconi anemia complementation group L. Last evaluated: 2020-07-14. Review status: criteria provided, single submitter. Criteria: ACMG Guidelines, 2015. Collection method: clinical testing. Allele origin: unknown. Affected: yes. Study: CSER-TexasKidsCanSeq.
Comment: This variant was determined to be of uncertain significance according to ACMG Guidelines, 2015 [PMID:25741868].

NM_018062.4(FANCL):c.488C>G (p.Pro163Arg)

Gene: FANCL (FA complementation group L; minus strand). Cytogenetic location: 2p16.1.
Variant type: single nucleotide variant.
Coding change: c.488C>G on transcript NM_018062.4 (MANE Select); coding-DNA position 488, C replaced by G.
Protein change: p.Pro163Arg; replaces proline 163 with arginine.
Molecular consequence: missense variant.
Genome position (GRCh38, 1-based): chr2:58,198,646, G>C on the plus strand (C>G on the coding strand, the complement: FANCL is on the minus strand). VCF-style: chr2-58198646-G-C. GRCh37 (hg19) VCF-style: chr2-58425781-G-C.
Other names: c.488C>G, p.Pro163Arg (NM_001114636.2, NM_001374615.1, NM_001410792.1); short protein forms P163R.
Identifiers: ClinVar variation 997630 (VCV000997630.7), dbSNP rs770063294, ClinGen allele CA1670596.